The following is an entry in ClinVar:

NM_004356.4(CD81):c.417C>T (p.Asp139=)

Gene: CD81 (CD81 molecule; plus strand). Cytogenetic location: 11p15.5.
Variant type: single nucleotide variant.
Coding change: c.417C>T on transcript NM_004356.4 (MANE Select); coding-DNA position 417, C replaced by T.
Protein change: p.Asp139=; no amino-acid change (aspartic acid 139 retained).
Molecular consequence: synonymous variant.
Genome position (GRCh38, 1-based): chr11:2,395,478, C>T. VCF-style: chr11-2395478-C-T. GRCh37 (hg19) VCF-style: chr11-2416708-C-T.
Other names: c.204C>T, p.Asp68= (NM_001297649.2).
Identifiers: ClinVar variation 1914951 (VCV001914951.8), dbSNP rs766038235, ClinGen allele CA5819999.

ClinVar aggregate classification (germline): Likely benign. Review status: criteria provided, multiple submitters, no conflicts (2 of 4 stars). 3 submissions from 3 submitters: Likely benign (2). 1 of the submissions does not count toward it. Last evaluated 2025-05-12.

Conditions:
CD81-related disorder. Also called: CD81-related condition.

Allele frequency attached by ClinVar (database versions not stated): TOPMed 0.00003; ExAC 0.00009.
gnomAD v4.1: 57 of 1,612,600 alleles (0.0035%); highest among the groups gnomAD compares: Admixed American, 0.005%; no homozygotes.

Submissions (3):

Labcorp Genetics (formerly Invitae), Labcorp
Classification: Likely benign. Last evaluated: 2025-05-12. Review status: criteria provided, single submitter. Criteria: Invitae Variant Classification Sherloc (09022015). Collection method: clinical testing. Allele origin: germline.

Blueprint Genetics
Classification: Likely benign. Last evaluated: 2024-09-17. Review status: criteria provided, single submitter. Criteria: ACMG Guidelines, 2015. Collection method: clinical testing. Allele origin: germline.

PreventionGenetics, part of Exact Sciences
Classification: Likely benign for CD81-related condition. Last evaluated: 2024-01-03. Review status: no assertion criteria provided. Collection method: clinical testing. Allele origin: germline. Not counted in ClinVar's aggregate classification.
Comment: This variant is classified as likely benign based on ACMG/AMP sequence variant interpretation guidelines (Richards et al. 2015 PMID: 25741868, with internal and published modifications).